The following is an entry in ClinVar:

NM_000051.4(ATM):c.379A>T (p.Thr127Ser)

Gene: ATM (ATM serine/threonine kinase; plus strand). Cytogenetic location: 11q22.3.
Variant type: single nucleotide variant.
Coding change: c.379A>T on transcript NM_000051.4 (MANE Select); coding-DNA position 379, A replaced by T.
Protein change: p.Thr127Ser; replaces threonine 127 with serine.
Molecular consequence: missense variant.
Genome position (GRCh38, 1-based): chr11:108,235,717, A>T. VCF-style: chr11-108235717-A-T. GRCh37 (hg19) VCF-style: chr11-108106444-A-T.
Other names: c.379A>T, p.Thr127Ser (NM_001351834.2); short protein forms T127S.
Identifiers: ClinVar variation 186169 (VCV000186169.28), dbSNP rs587781741, ClinGen allele CA194049.

ClinVar aggregate classification (germline): Uncertain significance. Review status: criteria provided, multiple submitters, no conflicts (2 of 4 stars). 8 submissions from 8 submitters: Uncertain significance (7). 1 of the submissions does not count toward it. Last evaluated 2026-01-26.

Conditions:
Hereditary cancer-predisposing syndrome. Also called: Tumor predisposition; Neoplastic Syndromes, Hereditary; Hereditary neoplastic syndrome; Hereditary Cancer Syndrome. Identifiers: Orphanet 140162, MedGen C0027672, MeSH D009386, MONDO:0015356.
Familial cancer of breast. Also called: BREAST CANCER, FAMILIAL; hereditary breast carcinoma; Hereditary breast cancer. Identifiers: Orphanet 227535, MedGen C0346153, MONDO:0016419, OMIM 114480. Disease mechanism: loss of function.
Ataxia-telangiectasia syndrome (AT). Also called: LOUIS-BAR SYNDROME; Ataxia-telangiectasia, complementation group D; AT, COMPLEMENTATION GROUP C; ATAXIA-TELANGIECTASIA, COMPLEMENTATION GROUP A; ATAXIA-TELANGIECTASIA, FRESNO VARIANT; Ataxia-telangiectasia. Identifiers: Orphanet 100, MedGen C0004135, MONDO:0008840, OMIM 208900.

Allele frequency attached by ClinVar (database versions not stated): TOPMed 0.00001; ExAC 0.00003; gnomAD exomes 0.00003.
gnomAD v4.1: 9 of 1,612,330 alleles (0.00056%); highest among the groups gnomAD compares: Admixed American, 0.015%; no homozygotes.

Submissions (8):

Labcorp Genetics (formerly Invitae), Labcorp
Classification: Uncertain significance for Ataxia-telangiectasia syndrome. Last evaluated: 2026-01-26. Review status: criteria provided, single submitter. Criteria: Invitae Variant Classification Sherloc (09022015). Collection method: clinical testing. Allele origin: germline.
Comment: This sequence change replaces threonine, which is neutral and polar, with serine, which is neutral and polar, at codon 127 of the ATM protein (p.Thr127Ser). This variant is present in population databases (rs587781741, gnomAD 0.02%). This missense change has been observed in individual(s) with breast cancer (PMID: 31206626). ClinVar contains an entry for this variant (Variation ID: 186169). Invitae Evidence Modeling of protein sequence and biophysical properties (such as structural, functional, and spatial information, amino acid conservation, physicochemical variation, residue mobility, and thermodynamic stability) indicates that this missense variant is not expected to disrupt ATM protein function with a negative predictive value of 95%. In summary, the available evidence is currently insufficient to determine the role of this variant in disease. Therefore, it has been classified as a Variant of Uncertain Significance.

Ambry Genetics
Classification: Uncertain significance for Hereditary cancer-predisposing syndrome. Last evaluated: 2025-01-28. Review status: criteria provided, single submitter. Criteria: Ambry Variant Classification Scheme 2023. Collection method: clinical testing. Allele origin: germline.
Comment: The p.T127S variant (also known as c.379A>T), located in coding exon 4 of the ATM gene, results from an A to T substitution at nucleotide position 379. The threonine at codon 127 is replaced by serine, an amino acid with similar properties. This alteration was detected in 1/1054 Hispanic BRCA1/2-negative probands with hereditary breast cancer and 1/1189 controls (Weitzel JN et al. Cancer, 2019 Aug;125:2829-2836). This amino acid position is not well conserved in available vertebrate species. In addition, this alteration is predicted to be tolerated by in silico analysis. Based on the available evidence, the clinical significance of this variant remains unclear.

GeneDx
Classification: Uncertain significance. Last evaluated: 2024-11-12. Review status: criteria provided, single submitter. Criteria: GeneDx Variant Classification Process June 2021. Collection method: clinical testing. Allele origin: germline. Affected: yes.
Comment: Observed in an individual with breast and/or ovarian cancer, as well as in an unaffected control (PMID: 31206626); In silico analysis indicates that this missense variant does not alter protein structure/function; This variant is associated with the following publications: (PMID: 31206626)

Baylor Genetics
Classification: Uncertain significance for Familial cancer of breast. Last evaluated: 2023-10-04. Review status: criteria provided, single submitter. Criteria: ACMG Guidelines, 2015. Collection method: clinical testing. Allele origin: unknown.

Women's Health and Genetics/Laboratory Corporation of America, LabCorp
Classification: Uncertain significance. Last evaluated: 2023-05-12. Review status: criteria provided, single submitter. Criteria: LabCorp Variant Classification Summary - May 2015. Collection method: clinical testing. Allele origin: germline.
Comment: Variant summary: ATM c.379A>T (p.Thr127Ser) results in a conservative amino acid change located in the Telomere-length maintenance and DNA damage repair domain (IPR021668) of the encoded protein sequence. Three of five in-silico tools predict a benign effect of the variant on protein function. The variant allele was found at a frequency of 2.8e-05 in 251246 control chromosomes (gnomAD). The available data on variant occurrences in the general population are insufficient to allow any conclusion about variant significance. c.379A>T has been reported in the literature in individuals with breast cancer as well as controls (e.g. Weitzel_2016). This report does not provide unequivocal conclusions about association of the variant with Ataxia-Telangiectasia. To our knowledge, no experimental evidence demonstrating an impact on protein function has been reported. The following publication has been ascertained in the context of this evaluation (PMID: 31206626). Five ClinVar submitters have assessed the variant since 2014: all have classified the varaint as uncertain significance. Based on the evidence outlined above, the variant was classified as uncertain significance.

Color Diagnostics, LLC DBA Color Health
Classification: Uncertain significance for Hereditary cancer-predisposing syndrome. Last evaluated: 2022-10-10. Review status: criteria provided, single submitter. Criteria: ACMG Guidelines, 2015. Collection method: clinical testing. Allele origin: germline.
Comment: This missense variant replaces threonine with serine at codon 127 of the ATM protein. Computational prediction suggests that this variant may not impact protein structure and function (internally defined REVEL score threshold <= 0.5, PMID: 27666373). To our knowledge, functional studies have not been reported for this variant. This variant has not been reported in individuals affected with hereditary cancer in the literature. This variant has been identified in 7/251246 chromosomes in the general population by the Genome Aggregation Database (gnomAD). The available evidence is insufficient to determine the role of this variant in disease conclusively. Therefore, this variant is classified as a Variant of Uncertain Significance.

Blueprint Genetics
Classification: Uncertain significance. Last evaluated: 2019-08-15. Review status: criteria provided, single submitter. Criteria: ACMG Guidelines, 2015. Collection method: clinical testing. Allele origin: germline.

Natera, Inc.
Classification: Uncertain significance for Ataxia-telangiectasia. Last evaluated: 2020-09-16. Review status: no assertion criteria provided. Collection method: clinical testing. Allele origin: germline. Not counted in ClinVar's aggregate classification.

Literature cited by the submitters: PubMed 31206626 (cited by 3 submitters).